The following is an entry in ClinVar:

ClinVar aggregate classification (germline): Uncertain significance (1 of 4 stars; one submission).

Conditions:
TRIO-related disorder. Also called: TRIO-related disorders; TRIO-related condition.

gnomAD v4.1: 7 of 1,614,154 alleles (0.00043%); highest among the groups gnomAD compares: African/African-American, 0.0053%; no homozygotes.

Submission:

PreventionGenetics, part of Exact Sciences
Classification: Uncertain significance for TRIO-related condition. Last evaluated: 2026-05-06. Review status: criteria provided, single submitter. Criteria: ACMG Guidelines, 2015. Collection method: clinical testing. Allele origin: germline.
Comment: The TRIO c.8411+5G>T variant is predicted to interfere with splicing. To our knowledge, this variant has not been reported in the literature or in a large population database (gnomAD), indicating this variant is rare. This variant is predicted to alter splicing based on available splicing prediction programs (SpliceAI, Jaganathan et al. 2019. PubMed ID: 30661751). However, the use of computer prediction programs is not equivalent to functional evidence. At this time, the clinical significance of this variant is uncertain due to the absence of conclusive functional and genetic evidence.

NM_007118.4(TRIO):c.8411+5G>T

Gene: TRIO (trio Rho guanine nucleotide exchange factor; plus strand). Cytogenetic location: 5p15.2.
Variant type: single nucleotide variant.
Coding change: c.8411+5G>T on transcript NM_007118.4 (MANE Select); 5 bases into the intron after coding-DNA position 8411, G replaced by T.
Molecular consequence: intron variant.
Genome position (GRCh38, 1-based): chr5:14,502,662, G>T. VCF-style: chr5-14502662-G-T. GRCh37 (hg19) VCF-style: chr5-14502771-G-T.
Identifiers: ClinVar variation 4987998 (VCV004987998.1).